The following is an entry in ClinVar:

NM_004539.4(NARS1):c.251_252del (p.Glu84fs)

Gene: NARS1 (asparaginyl-tRNA synthetase 1; minus strand). Cytogenetic location: 18q21.31.
Variant type: Microsatellite.
Coding change: c.251_252del on transcript NM_004539.4 (MANE Select); coding-DNA positions 251 to 252, 2 bases deleted (AG; older notation c.251_252delAG).
Protein change: p.Glu84fs; shifts the reading frame from glutamic acid 84.
Molecular consequence: frameshift variant.
Genome position (GRCh38, 1-based): chr18:57,615,817-57,615,818, CT deleted on the plus strand (AG on the coding strand, the reverse complement: NARS1 is on the minus strand); deleting any 2 consecutive bases within chr18:57,615,817-57,615,820 gives the same sequence; the c. name uses the placement nearest the transcript's 3' end. VCF-style (leftmost placement, unchanged base first): chr18-57615816-CCT-C. GRCh37 (hg19) VCF-style: chr18-55283048-CCT-C.
Other names: short protein forms E84fs.
Identifiers: ClinVar variation 3043011 (VCV003043011.2), dbSNP rs2511576695, ClinGen allele CA2740091810.
Genomic context (GRCh38, chr18:57,615,816, plus strand): 5'-TTAACATGGTTGCCAGAGTTCTAACTTTAACAACGTTCACGATGGCAAGGTCAGGACTCA[CCT>C]CTTTCTTTTCCCGGGATTCACTCTTCATTTGTTCCCTATGCCACATCTTTTTAATGTTCT-3'

ClinVar aggregate classification (germline): Pathogenic (0 of 4 stars; one submission).

Conditions:
NARS1-related disorder. Also called: NARS1-related condition.

Submission:

PreventionGenetics, part of Exact Sciences
Classification: Pathogenic for NARS1-related condition. Last evaluated: 2023-11-16. Review status: no assertion criteria provided. Collection method: clinical testing. Allele origin: germline.
Comment: The NARS1 c.251_252delAG variant is predicted to result in a frameshift and premature protein termination (p.Glu84Glyfs*4). To our knowledge, this variant has not been reported in the literature or in a large population database, indicating this variant is rare. Frameshift variants near this variant have been reported as pathogenic for autosomal recessive NARS1-related disease (Manole et al. 2020. PubMed ID: 32738225). This variant is interpreted as pathogenic for autosomal recessive NARS1-related disease. However, for autosomal dominant NARS1-related disease this variant is of uncertain clinical significance.